The following is an entry in ClinVar:

NM_017763.6(RNF43):c.1888T>C (p.Ser630Pro)

Gene: RNF43 (ring finger protein 43; minus strand). Cytogenetic location: 17q22.
Variant type: single nucleotide variant.
Coding change: c.1888T>C on transcript NM_017763.6 (MANE Select); coding-DNA position 1888, T replaced by C.
Protein change: p.Ser630Pro; replaces serine 630 with proline.
Molecular consequence: missense variant.
Genome position (GRCh38, 1-based): chr17:58,357,888, A>G on the plus strand (T>C on the coding strand, the complement: RNF43 is on the minus strand). VCF-style: chr17-58357888-A-G. GRCh37 (hg19) VCF-style: chr17-56435249-A-G.
Other names: c.1888T>C, p.Ser630Pro (NM_001305544.3, NM_001438820.1, NM_001438821.1 and 1 more transcripts); c.1507T>C, p.Ser503Pro (NM_001305545.2, NM_001437987.1); short protein forms S503P, S630P.
Identifiers: ClinVar variation 4155781 (VCV004155781.1).

ClinVar aggregate classification (germline): Uncertain significance (1 of 4 stars; one submission).

Submission:

Ambry Genetics
Classification: Uncertain significance. Last evaluated: 2025-08-19. Review status: criteria provided, single submitter. Criteria: Ambry Variant Classification Scheme 2023. Collection method: clinical testing. Allele origin: germline.
Comment: The p.S630P variant (also known as c.1888T>C), located in coding exon 8 of the RNF43 gene, results from a T to C substitution at nucleotide position 1888. The serine at codon 630 is replaced by proline, an amino acid with similar properties. This amino acid position is conserved. In addition, this alteration is predicted to be tolerated by in silico analysis. Based on the available evidence, the clinical significance of this variant remains unclear.